The following is an entry in ClinVar:

NM_022552.5(DNMT3A):c.1421G>A (p.Arg474His)

Gene: DNMT3A (DNA methyltransferase 3 alpha; minus strand). Cytogenetic location: 2p23.3.
Variant type: single nucleotide variant.
Coding change: c.1421G>A on transcript NM_022552.5 (MANE Select); coding-DNA position 1421, G replaced by A.
Protein change: p.Arg474His; replaces arginine 474 with histidine.
Molecular consequence: missense variant. On other transcripts: non-coding transcript variant (1).
Genome position (GRCh38, 1-based): chr2:25,246,168, C>T on the plus strand (G>A on the coding strand, the complement: DNMT3A is on the minus strand). VCF-style: chr2-25246168-C-T. GRCh37 (hg19) VCF-style: chr2-25469037-C-T.
Other names: c.965G>A, p.Arg322His (NM_001320893.1); c.752G>A, p.Arg251His (NM_001375819.1); c.854G>A, p.Arg285His (NM_153759.3); c.1421G>A, p.Arg474His (NM_175629.2); short protein forms R251H, R285H, R474H, R322H.
Identifiers: ClinVar variation 1979342 (VCV001979342.7), dbSNP rs1457323351, ClinGen allele CA346072630.

ClinVar aggregate classification (germline): Uncertain significance. Review status: criteria provided, multiple submitters, no conflicts (2 of 4 stars). 3 submissions from 3 submitters: Uncertain significance (3). Last evaluated 2026-04-01.

Conditions:
Tatton-Brown-Rahman overgrowth syndrome. Also called: Tall stature-intellectual disability-facial dysmorphism syndrome; Tatton-Brown-Rahman syndrome. Identifiers: Orphanet 404443, MedGen C4014545, MONDO:0014382, OMIM 615879.
DNMT3A-related disorder. Also called: DNMT3A-related disorders; DNMT3A-related condition.

Allele frequency attached by ClinVar (database versions not stated): gnomAD exomes 0.00001.

Submissions (3):

CeGaT Center for Human Genetics Tuebingen
Classification: Uncertain significance. Last evaluated: 2026-04-01. Review status: criteria provided, single submitter. Criteria: CeGaT Center For Human Genetics Tuebingen Variant Classification Criteria Version 2. Collection method: clinical testing. Allele origin: germline. Affected: yes. Observed: 1 variant allele.

PreventionGenetics, part of Exact Sciences
Classification: Uncertain significance for DNMT3A-related condition. Last evaluated: 2024-11-19. Review status: criteria provided, single submitter. Criteria: ACMG Guidelines, 2015. Collection method: clinical testing. Allele origin: germline.
Comment: The DNMT3A c.1421G>A variant is predicted to result in the amino acid substitution p.Arg474His. To our knowledge, this variant has not been reported in the literature. This variant is reported in 0.0033% of alleles in individuals of South Asian descent in gnomAD. At this time, the clinical significance of this variant is uncertain due to the absence of conclusive functional and genetic evidence.

Labcorp Genetics (formerly Invitae), Labcorp
Classification: Uncertain significance for Tatton-Brown-Rahman overgrowth syndrome. Last evaluated: 2024-10-28. Review status: criteria provided, single submitter. Criteria: Invitae Variant Classification Sherloc (09022015). Collection method: clinical testing. Allele origin: germline.
Comment: This sequence change replaces arginine, which is basic and polar, with histidine, which is basic and polar, at codon 474 of the DNMT3A protein (p.Arg474His). This variant is present in population databases (no rsID available, gnomAD 0.003%). This variant has not been reported in the literature in individuals affected with DNMT3A-related conditions. ClinVar contains an entry for this variant (Variation ID: 1979342). Invitae Evidence Modeling of protein sequence and biophysical properties (such as structural, functional, and spatial information, amino acid conservation, physicochemical variation, residue mobility, and thermodynamic stability) indicates that this missense variant is not expected to disrupt DNMT3A protein function with a negative predictive value of 95%. In summary, the available evidence is currently insufficient to determine the role of this variant in disease. Therefore, it has been classified as a Variant of Uncertain Significance.